The following is an entry in ClinVar:

NM_001379291.1(BRD4):c.158C>G (p.Pro53Arg)

Gene: BRD4 (bromodomain containing 4; minus strand). Cytogenetic location: 19p13.12.
Variant type: single nucleotide variant.
Coding change: c.158C>G on transcript NM_001379291.1 (MANE Select); coding-DNA position 158, C replaced by G.
Protein change: p.Pro53Arg; replaces proline 53 with arginine.
Molecular consequence: missense variant.
Genome position (GRCh38, 1-based): chr19:15,272,942, G>C on the plus strand (C>G on the coding strand, the complement: BRD4 is on the minus strand). VCF-style: chr19-15272942-G-C. GRCh37 (hg19) VCF-style: chr19-15383753-G-C.
Other names: c.158C>G, p.Pro53Arg (NM_001330384.2, NM_001379292.1, NM_014299.3 and 1 more transcripts); short protein forms P53R.
Identifiers: ClinVar variation 5008244 (VCV005008244.1).

ClinVar aggregate classification (germline): Uncertain significance (1 of 4 stars; one submission).

gnomAD v4.1: 1 of 1,614,226 alleles (0.000062%); highest among the groups gnomAD compares: Non-Finnish European, 0.000085%; no homozygotes.

Submission:

GeneDx
Classification: Uncertain significance. Last evaluated: 2026-03-03. Review status: criteria provided, single submitter. Criteria: GeneDx Variant Classification Process June 2021. Collection method: clinical testing. Allele origin: germline.
Comment: Not observed at significant frequency in large population cohorts (gnomAD); In silico analysis supports that this missense variant has a deleterious effect on protein structure/function; Has not been previously published as pathogenic or benign to our knowledge